The following is an entry in ClinVar:

NM_000419.5(ITGA2B):c.819C>T (p.Gly273=)

Gene: ITGA2B (integrin subunit alpha 2b; minus strand). Cytogenetic location: 17q21.31.
Variant type: single nucleotide variant.
Coding change: c.819C>T on transcript NM_000419.5 (MANE Select); coding-DNA position 819, C replaced by T.
Protein change: p.Gly273=; no amino-acid change (glycine 273 retained).
Molecular consequence: synonymous variant.
Genome position (GRCh38, 1-based): chr17:44,384,566, G>A on the plus strand (C>T on the coding strand, the complement: ITGA2B is on the minus strand). VCF-style: chr17-44384566-G-A. GRCh37 (hg19) VCF-style: chr17-42461934-G-A.
Identifiers: ClinVar variation 2899006 (VCV002899006.3), dbSNP rs138275810, ClinGen allele CA290954695.

ClinVar aggregate classification (germline): Uncertain significance (1 of 4 stars; one submission).

Conditions:
Glanzmann thrombasthenia. Also called: Glanzmann's thrombasthenia; BLEEDING DISORDER, PLATELET-TYPE, 2; THROMBASTHENIA OF GLANZMANN AND NAEGELI; PLATELET GLYCOPROTEIN IIb-IIIa DEFICIENCY; Thrombasthenia. Identifiers: Orphanet 849, MedGen C0040015, MONDO:0100326.

Allele frequency attached by ClinVar (database versions not stated): gnomAD 0.00001; gnomAD exomes 0.00001; TOPMed 0.00001; ESP Exome Variant Server 0.00008.
gnomAD v4.1: 20 of 1,613,948 alleles (0.0012%); highest among the groups gnomAD compares: Non-Finnish European, 0.0015%; no homozygotes.

Submission:

Labcorp Genetics (formerly Invitae), Labcorp
Classification: Uncertain significance for Glanzmann thrombasthenia. Last evaluated: 2025-01-11. Review status: criteria provided, single submitter. Criteria: Invitae Variant Classification Sherloc (09022015). Collection method: clinical testing. Allele origin: germline.
Comment: This sequence change affects codon 273 of the ITGA2B mRNA. It is a 'silent' change, meaning that it does not change the encoded amino acid sequence of the ITGA2B protein. This variant is present in population databases (rs138275810, gnomAD 0.0009%). This variant has not been reported in the literature in individuals affected with ITGA2B-related conditions. ClinVar contains an entry for this variant (Variation ID: 2899006). Algorithms developed to predict the effect of sequence changes on RNA splicing suggest that this variant may disrupt the consensus splice site. In summary, the available evidence is currently insufficient to determine the role of this variant in disease. Therefore, it has been classified as a Variant of Uncertain Significance.